The following is an entry in ClinVar:

NM_000528.4(MAN2B1):c.981G>T (p.Met327Ile)

Gene: MAN2B1 (mannosidase alpha class 2B member 1; minus strand). Cytogenetic location: 19p13.13.
Variant type: single nucleotide variant.
Coding change: c.981G>T on transcript NM_000528.4 (MANE Select); coding-DNA position 981, G replaced by T.
Protein change: p.Met327Ile; replaces methionine 327 with isoleucine.
Molecular consequence: missense variant.
Genome position (GRCh38, 1-based): chr19:12,661,305, C>A on the plus strand (G>T on the coding strand, the complement: MAN2B1 is on the minus strand). VCF-style: chr19-12661305-C-A. GRCh37 (hg19) VCF-style: chr19-12772119-C-A.
Other names: c.981G>T, p.Met327Ile (NM_001173498.2); short protein forms M327I.
Identifiers: ClinVar variation 1400177 (VCV001400177.8), dbSNP rs2145272922, ClinGen allele CA404250298.

ClinVar aggregate classification (germline): Uncertain significance (1 of 4 stars; one submission).

Conditions:
Deficiency of alpha-mannosidase (MANSA). Also called: Mannosidosis, alpha-, types I and II; Alpha-Mannosidosis; LYSOSOMAL ALPHA-D-MANNOSIDASE DEFICIENCY. Identifiers: Orphanet 61, MedGen C0024748, MONDO:0009561, OMIM 248500.

Submission:

Labcorp Genetics (formerly Invitae), Labcorp
Classification: Uncertain significance for Deficiency of alpha-mannosidase. Last evaluated: 2022-07-12. Review status: criteria provided, single submitter. Criteria: Invitae Variant Classification Sherloc (09022015). Collection method: clinical testing. Allele origin: germline.
Comment: Algorithms developed to predict the effect of missense changes on protein structure and function output the following: SIFT: "Tolerated"; PolyPhen-2: "Benign"; Align-GVGD: "Class C0". The isoleucine amino acid residue is found in multiple mammalian species, which suggests that this missense change does not adversely affect protein function. ClinVar contains an entry for this variant (Variation ID: 1400177). This variant has not been reported in the literature in individuals affected with MAN2B1-related conditions. This variant is not present in population databases (gnomAD no frequency). This sequence change replaces methionine, which is neutral and non-polar, with isoleucine, which is neutral and non-polar, at codon 327 of the MAN2B1 protein (p.Met327Ile). In summary, the available evidence is currently insufficient to determine the role of this variant in disease. Therefore, it has been classified as a Variant of Uncertain Significance.